The following is an entry in ClinVar:

NM_005219.5(DIAPH1):c.1751C>T (p.Pro584Leu)

Gene: DIAPH1 (diaphanous related formin 1; minus strand). Cytogenetic location: 5q31.3.
Variant type: single nucleotide variant.
Coding change: c.1751C>T on transcript NM_005219.5 (MANE Select); coding-DNA position 1751, C replaced by T.
Protein change: p.Pro584Leu; replaces proline 584 with leucine.
Molecular consequence: missense variant.
Genome position (GRCh38, 1-based): chr5:141,574,099, G>A on the plus strand (C>T on the coding strand, the complement: DIAPH1 is on the minus strand). VCF-style: chr5-141574099-G-A. GRCh37 (hg19) VCF-style: chr5-140953666-G-A.
Other names: c.1724C>T, p.Pro575Leu (NM_001079812.3); c.1751C>T, p.Pro584Leu (NM_001314007.2); short protein forms P584L, P575L.
Identifiers: ClinVar variation 4793760 (VCV004793760.1).

ClinVar aggregate classification (germline): Uncertain significance (1 of 4 stars; one submission).

Conditions:
Autosomal dominant nonsyndromic hearing loss 1. Also called: DEAFNESS, AUTOSOMAL DOMINANT 1, WITH OR WITHOUT THROMBOCYTOPENIA; KONIGSMARK SYNDROME. Identifiers: Orphanet 90635, MedGen C1852282, MONDO:0007424, OMIM 124900.
Progressive microcephaly-seizures-cortical blindness-developmental delay syndrome. Also called: Seizures, cortical blindness, and microcephaly syndrome. Identifiers: Orphanet 477814, MedGen C5567650, MONDO:0014714, OMIM 616632.

gnomAD v4.1: 1 of 1,613,848 alleles (0.000062%); highest among the groups gnomAD compares: African/African-American, 0.0013%; no homozygotes.

Submission:

Labcorp Genetics (formerly Invitae), Labcorp
Classification: Uncertain significance for Progressive microcephaly-seizures-cortical blindness-developmental delay syndrome; Autosomal dominant nonsyndromic hearing loss 1. Last evaluated: 2025-10-27. Review status: criteria provided, single submitter. Criteria: Invitae Variant Classification Sherloc (09022015). Collection method: clinical testing. Allele origin: germline.
Comment: This sequence change replaces proline, which is neutral and non-polar, with leucine, which is neutral and non-polar, at codon 584 of the DIAPH1 protein (p.Pro584Leu). This variant is not present in population databases (gnomAD no frequency). This variant has not been reported in the literature in individuals affected with DIAPH1-related conditions. An algorithm developed to predict the effect of missense changes on protein structure and function outputs the following: PolyPhen-2: "Not Available". The leucine amino acid residue is found in multiple mammalian species, which suggests that this missense change does not adversely affect protein function. In summary, the available evidence is currently insufficient to determine the role of this variant in disease. Therefore, it has been classified as a Variant of Uncertain Significance.